The following is an entry in ClinVar:

NM_004991.4(MECOM):c.2515C>G (p.Pro839Ala)

Gene: MECOM (MDS1 and EVI1 complex locus; minus strand). Cytogenetic location: 3q26.2.
Variant type: single nucleotide variant.
Coding change: c.2515C>G on transcript NM_004991.4 (MANE Select); coding-DNA position 2515, C replaced by G.
Protein change: p.Pro839Ala; replaces proline 839 with alanine.
Molecular consequence: missense variant.
Genome position (GRCh38, 1-based): chr3:169,112,849, G>C on the plus strand (C>G on the coding strand, the complement: MECOM is on the minus strand). VCF-style: chr3-169112849-G-C. GRCh37 (hg19) VCF-style: chr3-168830637-G-C.
Other names: c.2146C>G, p.Pro716Ala (NM_001105077.4); c.1951C>G, p.Pro651Ala (NM_001105078.4, NM_001164000.2, NM_001205194.2 and 4 more transcripts); c.1954C>G, p.Pro652Ala (NM_001163999.2, NM_001366467.2, NM_001366468.2 and 1 more transcripts); c.2515C>G, p.Pro839Ala (NM_001366466.2); c.1543C>G, p.Pro515Ala (NM_001366473.2); c.979C>G, p.Pro327Ala (NM_001366474.2); short protein forms P327A, P515A, P839A, P651A, P652A, P716A.
Identifiers: ClinVar variation 3871830 (VCV003871830.1).
Genomic context (GRCh38, chr3:169,112,849, plus strand): 5'-GTGGGTGAAACAAGAATCCTGGAGAAGGCCTCAAGTATTTCTCTTTTAAAGCTTCAAGTG[G>C]GTCAGTTAGTTTTCTTTTCTCTACTCTGAAAGGTTAAAATTAGATTTTGGAGATGAAGCA-3'
Protein context (NP_004982.2, residues 829-849): YRVEKRKLTD[Pro839Ala]LEALKEKYLR

ClinVar aggregate classification (germline): Uncertain significance (1 of 4 stars; one submission).

Conditions:
Inborn genetic diseases. Identifiers: MedGen C0950123, MeSH D030342.

gnomAD v4.1: 4 of 1,612,342 alleles (0.00025%); highest among the groups gnomAD compares: Non-Finnish European, 0.00034%; no homozygotes.

Submission:

Ambry Genetics
Classification: Uncertain significance for Inborn genetic diseases. Last evaluated: 2025-02-14. Review status: criteria provided, single submitter. Criteria: Ambry Variant Classification Scheme 2023. Collection method: clinical testing. Allele origin: germline.
Comment: The p.P839A variant (also known as c.2515C>G), located in coding exon 9 of the MECOM gene, results from a C to G substitution at nucleotide position 2515. The proline at codon 839 is replaced by alanine, an amino acid with highly similar properties. This amino acid position is conserved. In addition, this alteration is predicted to be tolerated by in silico analysis. Based on the available evidence, the clinical significance of this variant remains unclear.